The following is an entry in ClinVar:

ClinVar aggregate classification (germline): Pathogenic. Review status: criteria provided, multiple submitters, no conflicts (2 of 4 stars). 2 submissions from 2 submitters: Pathogenic (2). Last evaluated 2025-12-15.

Conditions:
Congenital myasthenic syndrome (CMS). Also called: Congenital Myasthenic Syndromes. Identifiers: Orphanet 590, MedGen C0751882, MeSH D020294, MONDO:0018940.

gnomAD v4.1: 3 of 1,614,124 alleles (0.00019%); highest among the groups gnomAD compares: Non-Finnish European, 0.00025%; no homozygotes.

Submissions (2):

Myriad Genetics, Inc.
Classification: Pathogenic for Congenital myasthenic syndrome. Last evaluated: 2025-12-15. Review status: criteria provided, single submitter. Criteria: Myriad Autosomal Dominant, Autosomal Recessive and X-Linked Classification Criteria (2023). Collection method: clinical testing. Allele origin: unknown.
Comment: NM_000080.3(CHRNE):c.414G>A(W138*) is expected to be pathogenic in the context of congenital myasthenic syndrome, CHRNE-related. This variant is predicted to lead to an abnormal or absent protein product due to the creation of a premature termination codon in CHRNE, a gene where loss-of-function variants are known to be pathogenic. Please note: this variant was assessed in the context of healthy population screening.

Natera, Inc.
Classification: Pathogenic for Congenital myasthenic syndrome. Last evaluated: 2024-07-17. Review status: criteria provided, single submitter. Criteria: Natera Variant Classification Schema (03/2026). Collection method: clinical testing. Allele origin: germline.
Comment: The c.414G>A variant in CHRNE is a nonsense variant predicted to introduce a stop codon at amino acid 138. This variant is expected to result in nonsense mediated decay, truncation, or a dysfunctional protein product. This variant is rare in the general population with a frequency below the threshold expected for the associated phenotype(s). This variant has been observed in one or more individuals affected with the associated recessive disease, as either homozygous or compound heterozygous with a second variant (PMID: 35670010). Given the available evidence, this variant is classified as Pathogenic.

Literature cited by the submitters: PubMed 35670010 (cited by Natera, Inc.).

NM_000080.4(CHRNE):c.414G>A (p.Trp138Ter)

Genes: C17orf107 (chromosome 17 open reading frame 107; plus strand), CHRNE (cholinergic receptor nicotinic epsilon subunit; minus strand). Cytogenetic location: 17p13.2.
Variant type: single nucleotide variant.
Coding change: c.414G>A on transcript NM_000080.4 (MANE Select); coding-DNA position 414, G replaced by A.
Protein change: p.Trp138Ter; replaces tryptophan 138 with a stop codon.
Molecular consequence: nonsense. On other transcripts: 3 prime UTR variant (1).
Genome position (GRCh38, 1-based): chr17:4,902,018, C>T on the plus strand (G>A on the coding strand, the complement: CHRNE is on the minus strand). VCF-style: chr17-4902018-C-T. GRCh37 (hg19) VCF-style: chr17-4805313-C-T.
Other names: c.*1485C>T (NM_001145536.2); short protein forms W138*.
Identifiers: ClinVar variation 4816917 (VCV004816917.2).